The following is an entry in ClinVar:

ClinVar aggregate classification (germline): Likely pathogenic (1 of 4 stars; one submission).

Conditions:
Autosomal recessive limb-girdle muscular dystrophy type 2E (LGMDR4). Also called: MUSCULAR DYSTROPHY, LIMB-GIRDLE, AUTOSOMAL RECESSIVE 4. Identifiers: Orphanet 119, MedGen C1858593, MONDO:0011423, OMIM 604286. Disease mechanism: Affects gamma-sarcoglycan and also disrupts the integrity of the entire sarcoglycan complex..

Submission:

Labcorp Genetics (formerly Invitae), Labcorp
Classification: Likely pathogenic for Autosomal recessive limb-girdle muscular dystrophy type 2E. Last evaluated: 2023-08-30. Review status: criteria provided, single submitter. Criteria: Invitae Variant Classification Sherloc (09022015). Collection method: clinical testing. Allele origin: germline.
Comment: A similar copy number variant has been observed in individual(s) with limb-girdle muscular dystrophy (PMID: 27108072). This variant is a gross deletion of the genomic region encompassing exon(s) 6 of the SGCB gene, which includes the termination codon. This deletion extends beyond the assayed region for this gene and therefore may encompass additional genes. While this deletion is not anticipated to lead to nonsense mediated decay, it is expected to alter mRNA translation or result in a truncated protein product. This variant disrupts a region of the SGCB protein in which other variant(s) (p.Arg267Alafs*34) have been observed in individuals with SGCB-related conditions (PMID: 28687063). This suggests that this is a clinically significant region of the protein, and that variants that disrupt it are likely to be disease-causing. In summary, the currently available evidence indicates that the variant is pathogenic, but additional data are needed to prove that conclusively. Therefore, this variant has been classified as Likely Pathogenic.

Literature cited by the submitters: PubMed 27108072; PubMed 28687063.

NC_000004.11:g.(?_52890123)_(52890346_?)del

Gene: SGCB (sarcoglycan beta; minus strand). Cytogenetic location: 4q12.
Variant type: Deletion.
Identifiers: ClinVar variation 2422614 (VCV002422614.6).